The following is an entry in ClinVar:

ClinVar aggregate classification (germline): Uncertain significance (1 of 4 stars; one submission).

gnomAD v4.1: 2 of 1,614,102 alleles (0.00012%); highest among the groups gnomAD compares: Non-Finnish European, 0.00017%; no homozygotes.

Submission:

Labcorp Genetics (formerly Invitae), Labcorp
Classification: Uncertain significance. Last evaluated: 2025-12-01. Review status: criteria provided, single submitter. Criteria: Invitae Variant Classification Sherloc (09022015). Collection method: clinical testing. Allele origin: germline.
Comment: This sequence change replaces leucine, which is neutral and non-polar, with proline, which is neutral and non-polar, at codon 3022 of the CENPF protein (p.Leu3022Pro). This variant is not present in population databases (gnomAD no frequency). This variant has not been reported in the literature in individuals affected with CENPF-related conditions. An algorithm developed to predict the effect of missense changes on protein structure and function outputs the following: PolyPhen-2: "Benign". The proline amino acid residue is found in multiple mammalian species, which suggests that this missense change does not adversely affect protein function. In summary, the available evidence is currently insufficient to determine the role of this variant in disease. Therefore, it has been classified as a Variant of Uncertain Significance.

NM_016343.4(CENPF):c.9065T>C (p.Leu3022Pro)

Gene: CENPF (centromere protein F; plus strand). Cytogenetic location: 1q41.
Variant type: single nucleotide variant.
Coding change: c.9065T>C on transcript NM_016343.4 (MANE Select); coding-DNA position 9065, T replaced by C.
Protein change: p.Leu3022Pro; replaces leucine 3022 with proline.
Molecular consequence: missense variant.
Genome position (GRCh38, 1-based): chr1:214,658,952, T>C. VCF-style: chr1-214658952-T-C. GRCh37 (hg19) VCF-style: chr1-214832295-T-C.
Other names: short protein forms L3022P.
Identifiers: ClinVar variation 4799146 (VCV004799146.1).